The following is an entry in ClinVar:

NM_058246.4(DNAJB6):c.235+8C>T

Gene: DNAJB6 (DnaJ heat shock protein family (Hsp40) member B6; plus strand). Cytogenetic location: 7q36.3.
Variant type: single nucleotide variant.
Coding change: c.235+8C>T on transcript NM_058246.4 (MANE Select); 8 bases into the intron after coding-DNA position 235, C replaced by T.
Molecular consequence: intron variant.
Genome position (GRCh38, 1-based): chr7:157,366,569, C>T. VCF-style: chr7-157366569-C-T. GRCh37 (hg19) VCF-style: chr7-157159263-C-T.
Other names: c.235+8C>T (NM_001363676.1, NM_005494.3).
Identifiers: ClinVar variation 391781 (VCV000391781.4), dbSNP rs377327513, ClinGen allele CA16605099.
Genomic context (GRCh38, chr7:157,366,569, plus strand): 5'-ACGGGACATCTATGACAAATATGGCAAAGAAGGATTAAATGGTGGAGGAGGAGGTAAGTA[C>T]GTGAGTTTTTTCTTTGAAGACAAAAGGTCTTGGCAAGTAAGTTGAGTTTGTAAATCACGA-3'

ClinVar aggregate classification (germline): Likely benign. Review status: criteria provided, multiple submitters, no conflicts (2 of 4 stars). 2 submissions from 2 submitters: Likely benign (2). Last evaluated 2023-01-13.

Conditions:
Autosomal dominant limb-girdle muscular dystrophy type 1D (DNAJB6) (LGMDD1). Also called: MUSCULAR DYSTROPHY, LIMB-GIRDLE, TYPE 1D; MUSCULAR DYSTROPHY, AUTOSOMAL DOMINANT, WITH RIMMED VACUOLES; Autosomal dominant limb-girdle muscular dystrophy type 1D; Muscular dystrophy, limb-girdle, autosomal dominant 1. Identifiers: Orphanet 34516, MedGen C4721885, MONDO:0021018, OMIM 603511.

gnomAD v4.1: 10 of 1,613,180 alleles (0.00062%); highest among the groups gnomAD compares: South Asian, 0.0033%; no homozygotes.

Submissions (2):

Labcorp Genetics (formerly Invitae), Labcorp
Classification: Likely benign for Autosomal dominant limb-girdle muscular dystrophy type 1D (DNAJB6). Last evaluated: 2023-01-13. Review status: criteria provided, single submitter. Criteria: Invitae Variant Classification Sherloc (09022015). Collection method: clinical testing. Allele origin: germline.

GeneDx
Classification: Likely benign. Last evaluated: 2016-12-13. Review status: criteria provided, single submitter. Criteria: GeneDx Variant Classification (06012015). Collection method: clinical testing. Allele origin: germline. Affected: yes.
Comment: This variant is considered likely benign or benign based on one or more of the following criteria: it is a conservative change, it occurs at a poorly conserved position in the protein, it is predicted to be benign by multiple in silico algorithms, and/or has population frequency not consistent with disease.